The following is an entry in ClinVar:

ClinVar aggregate classification (germline): Uncertain significance (1 of 4 stars; one submission).

Conditions:
Myopathy, proximal, and ophthalmoplegia (CMYO6). Also called: MYOPATHY WITH CONGENITAL JOINT CONTRACTURES, OPHTHALMOPLEGIA, AND RIMMED VACUOLES; CONGENITAL MYOPATHY 6 WITH OPHTHALMOPLEGIA; INCLUSION BODY MYOPATHY 3, AUTOSOMAL DOMINANT. Identifiers: Orphanet 363677, Orphanet 79091, MedGen C1854106, MONDO:0011577, OMIM 605637.

Submission:

Labcorp Genetics (formerly Invitae), Labcorp
Classification: Uncertain significance for Myopathy, proximal, and ophthalmoplegia. Last evaluated: 2021-10-19. Review status: criteria provided, single submitter. Criteria: Invitae Variant Classification Sherloc (09022015). Collection method: clinical testing. Allele origin: germline.
Comment: In summary, the available evidence is currently insufficient to determine the role of this variant in disease. Therefore, it has been classified as a Variant of Uncertain Significance. Algorithms developed to predict the effect of missense changes on protein structure and function (SIFT, PolyPhen-2, Align-GVGD) all suggest that this variant is likely to be disruptive. This variant has not been reported in the literature in individuals affected with MYH2-related conditions. This variant is not present in population databases (ExAC no frequency). This sequence change replaces proline with threonine at codon 128 of the MYH2 protein (p.Pro128Thr). The proline residue is highly conserved and there is a small physicochemical difference between proline and threonine.

NM_017534.6(MYH2):c.382C>A (p.Pro128Thr)

Genes: MYH2 (myosin heavy chain 2; minus strand), MYHAS (myosin heavy chain gene cluster antisense RNA; plus strand). Cytogenetic location: 17p13.1.
Variant type: single nucleotide variant.
Coding change: c.382C>A on transcript NM_017534.6 (MANE Select); coding-DNA position 382, C replaced by A.
Protein change: p.Pro128Thr; replaces proline 128 with threonine.
Molecular consequence: missense variant.
Genome position (GRCh38, 1-based): chr17:10,545,469, G>T on the plus strand (C>A on the coding strand, the complement: MYH2 is on the minus strand). VCF-style: chr17-10545469-G-T. GRCh37 (hg19) VCF-style: chr17-10448786-G-T.
Other names: c.382C>A, p.Pro128Thr (NM_001100112.2); short protein forms P128T.
Identifiers: ClinVar variation 1374700 (VCV001374700.6), dbSNP rs2142321785, ClinGen allele CA398171200.